The following is an entry in ClinVar:

NM_003242.6(TGFBR2):c.1660GAG[1] (p.Glu555del)

Gene: TGFBR2 (transforming growth factor beta receptor 2; plus strand). Cytogenetic location: 3p24.1.
Variant type: Microsatellite.
Coding change: c.1660GAG[1] on transcript NM_003242.6 (MANE Select); one copy of the 3-base unit GAG starting at c.1660; the reference has two copies in a row; one copy, 3 bases deleted.
Protein change: p.Glu555del; deletes glutamic acid 555.
Genome position (GRCh38, 1-based): chr3:30,691,558-30,691,560, GAG deleted; deleting any 3 consecutive bases within chr3:30,691,554-30,691,560 gives the same sequence; the position shown is the placement nearest the transcript's 3' end. VCF-style (leftmost placement, unchanged base first): chr3-30691553-CGGA-C. GRCh37 (hg19) VCF-style: chr3-30733045-CGGA-C.
Other names: c.1735GAG[1], p.Glu580del (NM_001024847.3); c.1843GAG[1], p.Glu616del (NM_001407126.1); c.1768GAG[1], p.Glu591del (NM_001407127.1); c.1687GAG[1], p.Glu564del (NM_001407128.1); c.1663GAG[1], p.Glu556del (NM_001407129.1); c.1657GAG[1], p.Glu554del (NM_001407130.1); c.1555GAG[1], p.Glu520del (NM_001407132.1, NM_001407133.1, NM_001407134.1 and 2 more transcripts); c.1375GAG[1], p.Glu460del (NM_001407137.1); and 2 more; short protein forms E520del, E555del, E564del, E591del, E265del, E556del, E580del, E460del.
Identifiers: ClinVar variation 3713209 (VCV003713209.1).

ClinVar aggregate classification (germline): Uncertain significance (1 of 4 stars; one submission).

Conditions:
Familial thoracic aortic aneurysm and aortic dissection (TAAD). Also called: Thoracic aortic aneurysms and dissections. Identifiers: Orphanet 91387, MedGen C4707243, MONDO:0019625.

Submission:

Labcorp Genetics (formerly Invitae), Labcorp
Classification: Uncertain significance for Familial thoracic aortic aneurysm and aortic dissection. Last evaluated: 2025-02-01. Review status: criteria provided, single submitter. Criteria: Invitae Variant Classification Sherloc (09022015). Collection method: clinical testing. Allele origin: germline.
Comment: This variant, c.1663_1665del, results in the deletion of 1 amino acid(s) of the TGFBR2 protein (p.Glu555del), but otherwise preserves the integrity of the reading frame. This variant is present in population databases (rs752315892, gnomAD 0.0009%). This variant has not been reported in the literature in individuals affected with TGFBR2-related conditions. Experimental studies and prediction algorithms are not available or were not evaluated, and the functional significance of this variant is currently unknown. In summary, the available evidence is currently insufficient to determine the role of this variant in disease. Therefore, it has been classified as a Variant of Uncertain Significance.